The following is an entry in ClinVar:

ClinVar aggregate classification (germline): Likely pathogenic. Review status: criteria provided, multiple submitters, no conflicts (2 of 4 stars). 4 submissions from 4 submitters: Likely pathogenic (4). Last evaluated 2025-06-01.

Conditions:
Aicardi-Goutieres syndrome 9. Identifiers: MedGen C5561966, MONDO:0030362, OMIM 619487.

gnomAD v4.1: 61 of 888,472 alleles (0.0069%); highest among the groups gnomAD compares: Middle Eastern, 0.037%; no homozygotes.

Submissions (4):

CeGaT Center for Human Genetics Tuebingen
Classification: Likely pathogenic. Last evaluated: 2025-06-01. Review status: criteria provided, single submitter. Criteria: CeGaT Center For Human Genetics Tuebingen Variant Classification Criteria Version 2. Collection method: clinical testing. Allele origin: germline. Affected: yes. Observed: 2 variant alleles.
Comment: RNU7-1: PM3:Strong, PM2, PS1:Supporting

Women's Health and Genetics/Laboratory Corporation of America, LabCorp
Classification: Likely pathogenic for Aicardi-Goutieres syndrome 9. Last evaluated: 2025-01-27. Review status: criteria provided, single submitter. Criteria: LabCorp Variant Classification Summary - May 2015. Collection method: clinical testing. Allele origin: germline.
Comment: Variant summary: RNU7-1 n.28C>G alters a nucleotide in the non-coding RNA. The variant allele was found at a frequency of 6.9e-05 in 888472 control chromosomes (gnomAD). This frequency is not significantly higher than estimated for a pathogenic variant in RNU7-1 causing Aicardi-Goutieres syndrome 9 (6.9e-05 vs 0.0011), allowing no conclusion about variant significance. n.28C>G has been reported in the literature in at least one individual affected with Aicardi-Goutieres syndrome (example: Louise Frmond_2023). In functional studies the variant demonstrated impaired RNU7-1 function (Kolev_2006). The following publications have been ascertained in the context of this evaluation (PMID: 16547514, 37171742). ClinVar contains an entry for this variant (Variation ID: 1328141). Based on the evidence outlined above, the variant was classified as likely pathogenic.

GeneDx
Classification: Likely pathogenic. Last evaluated: 2024-01-29. Review status: criteria provided, single submitter. Criteria: GeneDx Variant Classification Process June 2021. Collection method: clinical testing. Allele origin: germline. Affected: yes.
Comment: Observed with a second RNU7-1 variant in a patient with nystagmus, microcephaly, and dystonia, but it is not known whether the variants occurred on the same (in cis) or on different (in trans) chromosomes (PMID: 37171742); Published functional studies demonstrate severely impaired RNU7-1 function (PMID: 16547514); Also known as n.28C>G; This variant is associated with the following publications: (PMID: 16547514, 33230297, 37171742)

Illumina Laboratory Services, Illumina
Classification: Likely pathogenic for Aicardi-Goutieres syndrome 9. Last evaluated: 2021-07-28. Review status: criteria provided, single submitter. Criteria: ICSLVariantClassificationCriteria RUGD 01 April 2020. Collection method: clinical testing. Allele origin: unknown.
Comment: The RNU7-1 n.28C>G variant is a non-protein coding variant that has not been reported in the peer-reviewed literature. However, a different nucleotide change at the same position, n.28C>T, has been reported in at least six individuals with Aicardi-Goutieres syndrome and elevated levels of interferon (Uggenti et al. 2020); in two of these individuals, the n.28C>T variant was confirmed in trans with the n.40_47del variant. The n.28C>G variant is reported at a frequency of 0.000196 in the Latino/Admixed American population of the Genome Aggregation Database (version 3.1.1), a frequency that is consistent with a rare autosomal recessive disorder. Nucleotide 28 is a key position of the sm-binding site, and functional studies have shown that the n.28C>G nucleotide substitution inhibits the assembly and processing efficiency of the U7 snRNP (Kolev and Steiz 2006). Based on the evidence, the n.28C>G variant is classified as likely pathogenic for Aicardi-Goutieres syndrome.

Literature cited by the submitters: PubMed 37171742 (cited by Women's Health and Genetics/Laboratory Corporation of America, LabCorp); PubMed 16547514 (cited by Women's Health and Genetics/Laboratory Corporation of America, LabCorp and Illumina Laboratory Services, Illumina); PubMed 33230297 (cited by Illumina Laboratory Services, Illumina).

NR_023317.1(RNU7-1):n.28C>G

Genes: C12orf57 (chromosome 12 open reading frame 57; plus strand), RNU7-1 (RNA, U7 small nuclear 1; plus strand). Cytogenetic location: 12p13.31.
Variant type: single nucleotide variant.
Molecular consequence: non-coding transcript variant (on NR_023317.1). On other transcripts: intron variant (2).
Genome position: GRCh38 VCF-style: chr12-6943843-C-G. GRCh37 (hg19) VCF-style: chr12-7053006-C-G.
Other names: c.13+181C>G (NM_001301836.2); c.-16+181C>G (NM_001301834.1).
Identifiers: ClinVar variation 1328141 (VCV001328141.23), dbSNP rs180837208, ClinGen allele CA232435235.